The following is an entry in ClinVar:

ClinVar aggregate classification (germline): Likely benign. Review status: criteria provided, multiple submitters, no conflicts (2 of 4 stars). 3 submissions from 3 submitters: Likely benign (2). 1 of the submissions does not count toward it. Last evaluated 2025-06-28.

Conditions:
Ehlers-Danlos syndrome, classic type, 1 (EDSCL1). Also called: EHLERS-DANLOS SYNDROME, GRAVIS TYPE; EHLERS-DANLOS SYNDROME, SEVERE CLASSIC TYPE; EDS I; Ehlers-Danlos Syndrome, Classic Type, COL5A1-Related; Ehlers-Danlos syndrome, type 1. Identifiers: MedGen C0268335, MONDO:0019567, OMIM 130000.
Familial thoracic aortic aneurysm and aortic dissection (TAAD). Also called: Thoracic aortic aneurysms and dissections. Identifiers: Orphanet 91387, MedGen C4707243, MONDO:0019625.
COL5A1-related disorder. Also called: COL5A1-related condition.

Allele frequency attached by ClinVar (database versions not stated): gnomAD 0.00001; TOPMed below 0.00001.
gnomAD v4.1: 21 of 1,614,072 alleles (0.0013%); highest among the groups gnomAD compares: Middle Eastern, 0.066%; no homozygotes.

Submissions (3):

Ambry Genetics
Classification: Likely benign for Familial thoracic aortic aneurysm and aortic dissection. Last evaluated: 2025-06-28. Review status: criteria provided, single submitter. Criteria: Ambry Variant Classification Scheme 2023. Collection method: clinical testing. Allele origin: germline.

Labcorp Genetics (formerly Invitae), Labcorp
Classification: Likely benign for Ehlers-Danlos syndrome, classic type, 1. Last evaluated: 2024-05-21. Review status: criteria provided, single submitter. Criteria: Invitae Variant Classification Sherloc (09022015). Collection method: clinical testing. Allele origin: germline.

PreventionGenetics, part of Exact Sciences
Classification: Likely benign for COL5A1-related condition. Last evaluated: 2023-06-30. Review status: no assertion criteria provided. Collection method: clinical testing. Allele origin: germline. Not counted in ClinVar's aggregate classification.
Comment: This variant is classified as likely benign based on ACMG/AMP sequence variant interpretation guidelines (Richards et al. 2015 PMID: 25741868, with internal and published modifications).

NM_000093.5(COL5A1):c.4614G>A (p.Pro1538=)

Genes: COL5A1 (collagen type V alpha 1 chain; plus strand), LOC101448202 (uncharacterized LOC101448202; minus strand). Cytogenetic location: 9q34.3.
Variant type: single nucleotide variant.
Coding change: c.4614G>A on transcript NM_000093.5 (MANE Select); coding-DNA position 4614, G replaced by A.
Protein change: p.Pro1538=; no amino-acid change (proline 1538 retained).
Molecular consequence: synonymous variant.
Genome position (GRCh38, 1-based): chr9:134,823,003, G>A. VCF-style: chr9-134823003-G-A. GRCh37 (hg19) VCF-style: chr9-137714849-G-A.
Other names: c.4614G>A, p.Pro1538= (NM_001278074.1); c.4614G>A (NM_000093.3).
Identifiers: ClinVar variation 459700 (VCV000459700.13), dbSNP rs762698462, ClinGen allele CA467666343.